The following is an entry in ClinVar:

ClinVar aggregate classification (germline): Uncertain significance. Review status: criteria provided, multiple submitters, no conflicts (2 of 4 stars). 2 submissions from 2 submitters: Uncertain significance (2). Last evaluated 2025-09-28.

Conditions:
Inborn genetic diseases. Identifiers: MedGen C0950123, MeSH D030342.

gnomAD v4.1: 5 of 1,613,698 alleles (0.00031%); highest among the groups gnomAD compares: Non-Finnish European, 0.00042%; no homozygotes.

Submissions (2):

Ambry Genetics
Classification: Uncertain significance for Inborn genetic diseases. Last evaluated: 2025-09-28. Review status: criteria provided, single submitter. Criteria: Ambry Variant Classification Scheme 2023. Collection method: clinical testing. Allele origin: germline.
Comment: The p.I498T variant (also known as c.1493T>C), located in coding exon 13 of the KDM1A gene, results from a T to C substitution at nucleotide position 1493. The isoleucine at codon 498 is replaced by threonine, an amino acid with similar properties. This amino acid position is conserved. In addition, the in silico prediction for this alteration is inconclusive. Based on the available evidence, the clinical significance of this variant remains unclear.

Labcorp Genetics (formerly Invitae), Labcorp
Classification: Uncertain significance. Last evaluated: 2025-01-06. Review status: criteria provided, single submitter. Criteria: Invitae Variant Classification Sherloc (09022015). Collection method: clinical testing. Allele origin: germline.
Comment: This sequence change replaces isoleucine, which is neutral and non-polar, with threonine, which is neutral and polar, at codon 498 of the KDM1A protein (p.Ile498Thr). This variant is not present in population databases (gnomAD no frequency). This variant has not been reported in the literature in individuals affected with KDM1A-related conditions. Invitae Evidence Modeling of protein sequence and biophysical properties (such as structural, functional, and spatial information, amino acid conservation, physicochemical variation, residue mobility, and thermodynamic stability) indicates that this missense variant is not expected to disrupt KDM1A protein function with a negative predictive value of 80%. In summary, the available evidence is currently insufficient to determine the role of this variant in disease. Therefore, it has been classified as a Variant of Uncertain Significance.

NM_001009999.3(KDM1A):c.1493T>C (p.Ile498Thr)

Gene: KDM1A (lysine demethylase 1A; plus strand). Cytogenetic location: 1p36.12.
Variant type: single nucleotide variant.
Coding change: c.1493T>C on transcript NM_001009999.3 (MANE Select); coding-DNA position 1493, T replaced by C.
Protein change: p.Ile498Thr; replaces isoleucine 498 with threonine.
Molecular consequence: missense variant.
Genome position (GRCh38, 1-based): chr1:23,071,304, T>C. VCF-style: chr1-23071304-T-C. GRCh37 (hg19) VCF-style: chr1-23397797-T-C.
Other names: c.1493T>C (NM_001009999.2); c.1421T>C, p.Ile474Thr (NM_001363654.2, NM_001410763.1, NM_015013.4); c.1481T>C, p.Ile494Thr (NM_001410762.1); short protein forms I474T, I494T, I498T.
Identifiers: ClinVar variation 3669520 (VCV003669520.3).